The following is an entry in ClinVar:

ClinVar aggregate classification (germline): Likely benign. Review status: criteria provided, multiple submitters, no conflicts (2 of 4 stars). 4 submissions from 4 submitters: Likely benign (4). Last evaluated 2024-12-31.

Conditions:
Cardiovascular phenotype. Identifiers: MedGen CN230736.
RASopathy. Also called: rasopathies; Noonan spectrum disorder. Identifiers: Orphanet 536391, MedGen C5555857, MONDO:0021060.

Allele frequency attached by ClinVar (database versions not stated): gnomAD exomes below 0.00001; TOPMed below 0.00001.
gnomAD v4.1: 4 of 1,614,132 alleles (0.00025%); highest among the groups gnomAD compares: Non-Finnish European, 0.00034%; no homozygotes.

Submissions (4):

Ambry Genetics
Classification: Likely benign for Cardiovascular phenotype. Last evaluated: 2024-12-31. Review status: criteria provided, single submitter. Criteria: Ambry Variant Classification Scheme 2023. Collection method: clinical testing. Allele origin: germline.

Blueprint Genetics
Classification: Likely benign. Last evaluated: 2024-04-09. Review status: criteria provided, single submitter. Criteria: ACMG Guidelines, 2015. Collection method: clinical testing. Allele origin: germline.

Labcorp Genetics (formerly Invitae), Labcorp
Classification: Likely benign for RASopathy. Last evaluated: 2023-09-06. Review status: criteria provided, single submitter. Criteria: Invitae Variant Classification Sherloc (09022015). Collection method: clinical testing. Allele origin: germline.

GeneDx
Classification: Likely benign. Last evaluated: 2017-01-13. Review status: criteria provided, single submitter. Criteria: GeneDx Variant Classification (06012015). Collection method: clinical testing. Allele origin: germline. Affected: yes.
Comment: This variant is considered likely benign or benign based on one or more of the following criteria: it is a conservative change, it occurs at a poorly conserved position in the protein, it is predicted to be benign by multiple in silico algorithms, and/or has population frequency not consistent with disease.

NM_005188.4(CBL):c.627A>G (p.Leu209=)

Gene: CBL (Cbl proto-oncogene; plus strand). Cytogenetic location: 11q23.3.
Variant type: single nucleotide variant.
Coding change: c.627A>G on transcript NM_005188.4 (MANE Select); coding-DNA position 627, A replaced by G.
Protein change: p.Leu209=; no amino-acid change (leucine 209 retained).
Molecular consequence: synonymous variant.
Genome position (GRCh38, 1-based): chr11:119,273,904, A>G. VCF-style: chr11-119273904-A-G. GRCh37 (hg19) VCF-style: chr11-119144614-A-G.
Identifiers: ClinVar variation 392830 (VCV000392830.10), dbSNP rs1057524651, ClinGen allele CA16605864.